The following is an entry in ClinVar:

ClinVar aggregate classification (germline): Uncertain significance (1 of 4 stars; one submission).

Submission:

Labcorp Genetics (formerly Invitae), Labcorp
Classification: Uncertain significance. Last evaluated: 2025-04-07. Review status: criteria provided, single submitter. Criteria: Invitae Variant Classification Sherloc (09022015). Collection method: clinical testing. Allele origin: germline.
Comment: This variant, c.4976_4978del, results in the deletion of 1 amino acid(s) of the COL4A3 protein (p.Ile1659del), but otherwise preserves the integrity of the reading frame. This variant is not present in population databases (gnomAD no frequency). This variant has not been reported in the literature in individuals affected with COL4A3-related conditions. Experimental studies and prediction algorithms are not available or were not evaluated, and the functional significance of this variant is currently unknown. In summary, the available evidence is currently insufficient to determine the role of this variant in disease. Therefore, it has been classified as a Variant of Uncertain Significance.

NM_000091.5(COL4A3):c.4973TAA[1] (p.Ile1659del)

Genes: COL4A3 (collagen type IV alpha 3 chain; plus strand), MFF-DT (MFF divergent transcript; minus strand). Cytogenetic location: 2q36.3.
Variant type: Microsatellite.
Coding change: c.4973TAA[1] on transcript NM_000091.5 (MANE Select); one copy of the 3-base unit TAA starting at c.4973; the reference has two copies in a row; one copy, 3 bases deleted.
Protein change: p.Ile1659del; deletes isoleucine 1659.
Molecular consequence: inframe deletion.
Genome position (GRCh38, 1-based): chr2:227,311,833-227,311,835, TAA deleted; deleting any 3 consecutive bases within chr2:227,311,828-227,311,835 gives the same sequence; the position shown is the placement nearest the transcript's 3' end. VCF-style (leftmost placement, unchanged base first): chr2-227311827-AAAT-A. GRCh37 (hg19) VCF-style: chr2-228176543-AAAT-A.
Other names: short protein forms I1659del.
Identifiers: ClinVar variation 4737181 (VCV004737181.1).